The following is an entry in ClinVar:

NM_007294.4(BRCA1):c.4609C>T (p.Gln1537Ter)

Gene: BRCA1 (BRCA1 DNA repair associated; minus strand). Cytogenetic location: 17q21.31.
Variant type: single nucleotide variant.
Coding change: c.4609C>T on transcript NM_007294.4 (MANE Select); coding-DNA position 4609, C replaced by T.
Protein change: p.Gln1537Ter; replaces glutamine 1537 with a stop codon.
Molecular consequence: nonsense. On other transcripts: non-coding transcript variant (1).
Genome position (GRCh38, 1-based): chr17:43,074,397, G>A on the plus strand (C>T on the coding strand, the complement: BRCA1 is on the minus strand). VCF-style: chr17-43074397-G-A. GRCh37 (hg19) VCF-style: chr17-41226414-G-A.
Other names: c.4609C>T, p.Gln1537Ter (NM_001407602.1, NM_001407603.1, NM_001407605.1 and 8 more transcripts); c.4606C>T, p.Gln1536Ter (NM_001407610.1, NM_001407611.1, NM_001407612.1 and 17 more transcripts); c.4603C>T, p.Gln1535Ter (NM_001407627.1, NM_001407628.1, NM_001407629.1 and 14 more transcripts); c.4597C>T, p.Gln1533Ter (NM_001407646.1); c.4594C>T, p.Gln1532Ter (NM_001407647.1); c.4552C>T, p.Gln1518Ter (NM_001407648.1); c.4549C>T, p.Gln1517Ter (NM_001407649.1); c.4531C>T, p.Gln1511Ter (NM_001407653.1, NM_001407654.1, NM_001407655.1); and 68 more; short protein forms Q1537*, Q1490*, Q433*, Q1558*, Q1368*, Q1425*, Q1447*, Q1467*.
Identifiers: ClinVar variation 55237 (VCV000055237.25), dbSNP rs80357229, ClinGen allele CA002926.
Genomic context (GRCh38, chr17:43,074,397, plus strand): 5'-CTTGCCTTGGCAAGTAAGATGTTTCCGTCAAATCGTGTGGCCCAGACTCTTCCAGCTGTT[G>A]CTCCTCCACATCAACAACCTTAATGAGCTCCTCTTGAGATGGGTAGTTTCTATTCTGAAG-3'

ClinVar aggregate classification (germline): Pathogenic. Review status: reviewed by expert panel (3 of 4 stars). 14 submissions from 14 submitters: Pathogenic (1). 13 of the submissions do not count toward it. Last evaluated 2016-09-08.

Conditions:
Hereditary cancer-predisposing syndrome. Also called: Hereditary Cancer Syndrome; Hereditary neoplastic syndrome; Neoplastic Syndromes, Hereditary; Tumor predisposition. Identifiers: Orphanet 140162, MedGen C0027672, MeSH D009386, MONDO:0015356.
Breast-ovarian cancer, familial, susceptibility to, 1 (BROVCA1). Also called: BRCA1 Hereditary Breast and Ovarian Cancer; OVARIAN CANCER, SUSCEPTIBILITY TO. Identifiers: Orphanet 145, MedGen C2676676, MONDO:0011450, OMIM 604370. Disease mechanism: loss of function.
BRCA1-related cancer predisposition. Identifiers: MedGen CN377757, MONDO:0700268.
Hereditary breast ovarian cancer syndrome. Also called: BRCA1- and BRCA2-Associated Hereditary Breast and Ovarian Cancer; Hereditary breast and ovarian cancer syndrome; Hereditary breast and ovarian cancer syndrome (HBOC); Breast and ovarian cancer; Hereditary breast and/or ovarian cancer syndrome; Hereditary breast and ovarian cancer. Identifiers: Orphanet 145, MedGen C0677776, MeSH D061325, MONDO:0003582. Disease mechanism: loss of function.

Submissions (14):

Evidence-based Network for the Interpretation of Germline Mutant Alleles (ENIGMA)
Classification: Pathogenic for Breast-ovarian cancer, familial, susceptibility to, 1. Last evaluated: 2016-09-08. Review status: reviewed by expert panel. Criteria: ENIGMA BRCA1/2 Classification Criteria (2015). Collection method: curation. Allele origin: germline.
Comment: Variant allele predicted to encode a truncated non-functional protein.

Quest Diagnostics Nichols Institute San Juan Capistrano
Classification: Pathogenic. Last evaluated: 2025-07-24. Review status: criteria provided, single submitter. Criteria: Quest Diagnostics criteria. Collection method: clinical testing. Allele origin: unknown. Not counted in ClinVar's aggregate classification.
Comment: The BRCA1 c.4609C>T (p.Gln1537*) variant causes the premature termination of BRCA1 protein synthesis. This variant has been reported in the published literature in individuals with breast and/or ovarian cancer (PMIDs: 12920083 (2003), 27165220 (2016), and 30078507 (2018)). This variant has not been reported in large, multi-ethnic general populations (Genome Aggregation Database). Based on the available information, this variant is classified as pathogenic.

Color Diagnostics, LLC DBA Color Health
Classification: Pathogenic for Hereditary cancer-predisposing syndrome. Last evaluated: 2025-06-03. Review status: criteria provided, single submitter. Criteria: ACMG Guidelines, 2015. Collection method: clinical testing. Allele origin: germline. Not counted in ClinVar's aggregate classification.
Comment: This variant changes 1 nucleotide in exon 14 of the BRCA1 gene, creating a premature translation stop signal. This variant is expected to result in an absent or non-functional protein product. This variant has been reported in individuals affected with breast and/or ovarian cancer (ClinVar variation ID: 55237). This variant has not been identified in the general population by the Genome Aggregation Database (gnomAD). Loss of BRCA1 function is a known mechanism of disease. Based on the available evidence, this variant is classified as Pathogenic.

Labcorp Genetics (formerly Invitae), Labcorp
Classification: Pathogenic for Hereditary breast ovarian cancer syndrome. Last evaluated: 2025-01-15. Review status: criteria provided, single submitter. Criteria: Invitae Variant Classification Sherloc (09022015). Collection method: clinical testing. Allele origin: germline. Not counted in ClinVar's aggregate classification.
Comment: This sequence change creates a premature translational stop signal (p.Gln1537*) in the BRCA1 gene. It is expected to result in an absent or disrupted protein product. Loss-of-function variants in BRCA1 are known to be pathogenic (PMID: 20104584). This variant is not present in population databases (gnomAD no frequency). This premature translational stop signal has been observed in individual(s) with breast cancer and ovarian (PMID: 12920083, 27165220, 30078507). This variant is also known as p.Q1537X (c.4728C>T). ClinVar contains an entry for this variant (Variation ID: 55237). For these reasons, this variant has been classified as Pathogenic.

All of Us Research Program, National Institutes of Health
Classification: Pathogenic for BRCA1-related cancer predisposition. Last evaluated: 2024-02-08. Review status: criteria provided, single submitter. Criteria: ACMG Guidelines, 2015. Collection method: clinical testing. Allele origin: germline. Inheritance: Autosomal dominant inheritance. Observed: 1 variant allele, 1 heterozygote. Not counted in ClinVar's aggregate classification.
Comment: The c.4609C>T (p.Gln1537*) variant in the BRCA1 gene is located on the exon 14 and introduces an early stop codon. It is predicted to result in an absent or disrupted protein product. This variant has been reported in individuals affected with breast and/or ovarian cancer (PMID: 12920083, 27165220, 30078507). This variant is absent in the general population database, gnomAD. The variant is reported in ClinVar as pathogenic (ID: 55237) and reviewed by the expert panel. Truncating variants in the BRCA1 gene are known to be pathogenic (PMID: 21989022, 17661172, 22762150). Therefore, this variant is classified as pathogenic.

This study involves interpretation of variants in research participants for the purpose of population health screening. Participant phenotype was not available at the time of variant classification. Additional details can be found in publication PMID: 35346344, PMCID: PMC8962531

Human Genome Sequencing Center Clinical Lab, Baylor College of Medicine
Classification: Pathogenic for hereditary breast and ovarian cancer syndrome. Last evaluated: 2023-10-23. Review status: criteria provided, single submitter. Criteria: ACMG Guidelines, 2015. Collection method: clinical testing. Allele origin: unknown. Not counted in ClinVar's aggregate classification.
Comment: The c.4609C>T (p.Gln1537*) variant in the BRCA1 gene is located on the exon 14 and introduces an early stop codon. It is predicted to result in an absent or disrupted protein product. This variant has been reported in individuals affected with breast and/or ovarian cancer (PMID: 12920083, 27165220, 30078507). This variant is absent in the general population database, gnomAD. The variant is reported in ClinVar as pathogenic (ID: 55237) and reviewed by the expert panel. Truncating variants in the BRCA1 gene are known to be pathogenic (PMID: 21989022, 17661172, 22762150). Therefore, this variant is classified as pathogenic.

Ambry Genetics
Classification: Pathogenic for Hereditary cancer-predisposing syndrome. Last evaluated: 2022-09-28. Review status: criteria provided, single submitter. Criteria: Ambry Variant Classification Scheme 2023. Collection method: clinical testing. Allele origin: germline. Not counted in ClinVar's aggregate classification.
Comment: The p.Q1537* pathogenic mutation (also known as c.4609C>T), located in coding exon 13 of the BRCA1 gene, results from a C to T substitution at nucleotide position 4609. This changes the amino acid from a glutamine to a stop codon within coding exon 13. This variant is considered to be rare based on population cohorts in the Genome Aggregation Database (gnomAD). This pathogenic mutation, designated as 4728C>T, has been reported in one individual diagnosed with invasive breast cancer (Ozcelik H et al. J Med Genet. 2003 Aug;40(8):e91). In addition to the clinical data presented in the literature, this alteration is expected to result in loss of function by premature protein truncation or nonsense-mediated mRNA decay. As such, this alteration is interpreted as a disease-causing mutation.

GeneDx
Classification: Pathogenic. Last evaluated: 2018-05-24. Review status: criteria provided, single submitter. Criteria: GeneDx Variant Classification (06012015). Collection method: clinical testing. Allele origin: germline. Affected: yes. Not counted in ClinVar's aggregate classification.
Comment: This variant is denoted BRCA1 c.4609C>T at the cDNA level and p.Gln1537Ter (Q1537X) at the protein level. The substitution creates a nonsense variant, which changes a Glutamine to a premature stop codon (CAA>TAA), and is predicted to cause loss of normal protein function through either protein truncation or nonsense-mediated mRNA decay. This variant, previously reported as c.4728C>T, has been observed in association with breast and/or ovarian cancer (Ozcelik 2003, Yassaee 2016) and is considered pathogenic.

Genomic Research Center, Shahid Beheshti University of Medical Sciences
Classification: Pathogenic for Breast-ovarian cancer, familial, susceptibility to, 1. Last evaluated: 2017-12-03. Review status: criteria provided, single submitter. Criteria: ACMG Guidelines, 2015. Collection method: clinical testing. Allele origin: inherited. Affected: yes. Not counted in ClinVar's aggregate classification.

Consortium of Investigators of Modifiers of BRCA1/2 (CIMBA), c/o University of Cambridge
Classification: Pathogenic for Breast-ovarian cancer, familial, susceptibility to, 1. Last evaluated: 2015-10-02. Review status: criteria provided, single submitter. Criteria: CIMBA Mutation Classification guidelines May 2016. Collection method: clinical testing. Allele origin: germline. Not counted in ClinVar's aggregate classification.

Research Molecular Genetics Laboratory, Women's College Hospital, University of Toronto
Classification: Pathogenic for Hereditary breast ovarian cancer syndrome. Last evaluated: 2014-01-31. Review status: no assertion criteria provided. Collection method: research. Allele origin: germline. Affected: yes. Study: The Canadian Open Genetics Repository (COGR). Not counted in ClinVar's aggregate classification.

Sharing Clinical Reports Project (SCRP)
Classification: Pathogenic for Breast-ovarian cancer, familial 1. Last evaluated: 2008-02-08. Review status: no assertion criteria provided. Collection method: clinical testing. Allele origin: germline. Not counted in ClinVar's aggregate classification.

Breast Cancer Information Core (BIC) (BRCA1)
Classification: Pathogenic for Breast-ovarian cancer, familial 1. Last evaluated: 2003-12-23. Review status: no assertion criteria provided. Collection method: clinical testing. Allele origin: germline. Affected: yes. Observed: 1 variant allele. Not counted in ClinVar's aggregate classification.

Department of Pathology and Laboratory Medicine, Sinai Health System
Classification: Uncertain significance. Review status: no assertion criteria provided. Collection method: clinical testing. Allele origin: unknown. Affected: yes. Observed: 1 variant allele. Study: The Canadian Open Genetics Repository (COGR). Not counted in ClinVar's aggregate classification.

Literature cited by the submitters: PubMed 30078507 (cited by 3 submitters); PubMed 27165220 (cited by 3 submitters); PubMed 12920083 (cited by 3 submitters); PubMed 20104584 (cited by Labcorp Genetics (formerly Invitae), Labcorp); PubMed 17661172 (cited by All of Us Research Program, National Institutes of Health); PubMed 21989022 (cited by All of Us Research Program, National Institutes of Health); PubMed 22762150 (cited by All of Us Research Program, National Institutes of Health).